The following is an entry in ClinVar:

ClinVar aggregate classification (germline): Uncertain significance (1 of 4 stars; one submission).

Conditions:
Immunodeficiency 14 (IMD14A). Also called: p110-DELTA-ACTIVATING MUTATION CAUSING SENESCENT T CELLS, LYMPHADENOPATHY, AND IMMUNODEFICIENCY; ACTIVATED PI3K-DELTA SYNDROME 1; Activated PI3K Delta Syndrome Type 1 (APDS1); IMMUNODEFICIENCY 14A WITH LYMPHOPROLIFERATION, AUTOSOMAL DOMINANT. Identifiers: Orphanet 397596, Orphanet 693661, MedGen C5907821, MONDO:0014222, OMIM 615513.

Submission:

Labcorp Genetics (formerly Invitae), Labcorp
Classification: Uncertain significance for Activated PI3K-delta syndrome. Last evaluated: 2026-01-14. Review status: criteria provided, single submitter. Criteria: Invitae Variant Classification Sherloc (09022015). Collection method: clinical testing. Allele origin: germline.
Comment: This sequence change replaces threonine, which is neutral and polar, with alanine, which is neutral and non-polar, at codon 822 of the PIK3CD protein (p.Thr822Ala). This variant is not present in population databases (gnomAD no frequency). This variant has not been reported in the literature in individuals affected with PIK3CD-related conditions. Invitae Evidence Modeling of protein sequence and biophysical properties (such as structural, functional, and spatial information, amino acid conservation, physicochemical variation, residue mobility, and thermodynamic stability) indicates that this missense variant is not expected to disrupt PIK3CD protein function with a negative predictive value of 80%. In summary, the available evidence is currently insufficient to determine the role of this variant in disease. Therefore, it has been classified as a Variant of Uncertain Significance.

NM_005026.5(PIK3CD):c.2464A>G (p.Thr822Ala)

Gene: PIK3CD (phosphatidylinositol-4,5-bisphosphate 3-kinase catalytic subunit delta; plus strand). Cytogenetic location: 1p36.22.
Variant type: single nucleotide variant.
Coding change: c.2464A>G on transcript NM_005026.5 (MANE Select); coding-DNA position 2464, A replaced by G.
Protein change: p.Thr822Ala; replaces threonine 822 with alanine.
Molecular consequence: missense variant.
Genome position (GRCh38, 1-based): chr1:9,723,162, A>G. VCF-style: chr1-9723162-A-G. GRCh37 (hg19) VCF-style: chr1-9783220-A-G.
Other names: c.2461A>G, p.Thr821Ala (NM_001350234.2, NM_001439206.1); c.2377A>G, p.Thr793Ala (NM_001350235.1); c.2464A>G, p.Thr822Ala (NM_001437546.1); c.2320A>G, p.Thr774Ala (NM_001437547.1, NM_001438338.1); short protein forms T793A, T822A, T774A, T821A.
Identifiers: ClinVar variation 4742149 (VCV004742149.1).
Genomic context (GRCh38, chr1:9,723,162, plus strand): 5'-CGTCCCTCTTCCCCCTTGCCTAGGATGACCCCCTATGGCTGCCTCCCCACCGGGGACCGC[A>G]CAGGCCTCATTGAGGTGGTACTCCGTTCAGACACCATCGCCAACATCCAACTCAACAAGA-3'
Protein context (NP_005017.3, residues 812-832): PYGCLPTGDR[Thr822Ala]GLIEVVLRSD